The following is an entry in ClinVar:

ClinVar aggregate classification (germline): Pathogenic. Review status: criteria provided, multiple submitters, no conflicts (2 of 4 stars). 3 submissions from 3 submitters: Pathogenic (2). 1 of the submissions does not count toward it. Last evaluated 2024-01-31.

Conditions:
Retinitis pigmentosa (RP). Identifiers: Orphanet 791, MedGen C0035334, MeSH D012174, MONDO:0019200, OMIM 268000. Inheritance: Autosomal dominant, autosomal recessive and X linked inheritance.
CDHR1-related disorders.

Allele frequency attached by ClinVar (database versions not stated): gnomAD exomes below 0.00001.
gnomAD v4.1: 2 of 1,614,100 alleles (0.00012%); highest among the groups gnomAD compares: Non-Finnish European, 0.00017%; no homozygotes.

Submissions (3):

Blueprint Genetics
Classification: Pathogenic for CDHR1-related disorders. Last evaluated: 2024-01-31. Review status: criteria provided, single submitter. Criteria: ACMG Guidelines, 2015. Collection method: clinical testing. Allele origin: germline. Affected: yes. Observed: 5 variant alleles.

Labcorp Genetics (formerly Invitae), Labcorp
Classification: Pathogenic. Last evaluated: 2022-07-15. Review status: criteria provided, single submitter. Criteria: Invitae Variant Classification Sherloc (09022015). Collection method: clinical testing. Allele origin: germline.
Comment: This premature translational stop signal has been observed in individual(s) with retinitis pigmentosa (PMID: 28041643). This variant is present in population databases (no rsID available, gnomAD 0.0009%). This sequence change creates a premature translational stop signal (p.Tyr509*) in the CDHR1 gene. It is expected to result in an absent or disrupted protein product. Loss-of-function variants in CDHR1 are known to be pathogenic (PMID: 23044944, 23591405, 26103963, 26261414). For these reasons, this variant has been classified as Pathogenic. ClinVar contains an entry for this variant (Variation ID: 438117).

NIHR Bioresource Rare Diseases, University of Cambridge
Classification: Likely pathogenic for Retinitis pigmentosa. Last evaluated: 2015-01-01. Review status: no assertion criteria provided. Collection method: research. Allele origin: unknown. Affected: yes. Observed: 1 variant allele. Not counted in ClinVar's aggregate classification.

Literature cited by the submitters: PubMed 28041643 (cited by Labcorp Genetics (formerly Invitae), Labcorp and NIHR Bioresource Rare Diseases, University of Cambridge); PubMed 23044944 (cited by Labcorp Genetics (formerly Invitae), Labcorp); PubMed 23591405 (cited by Labcorp Genetics (formerly Invitae), Labcorp); PubMed 26103963 (cited by Labcorp Genetics (formerly Invitae), Labcorp); PubMed 26261414 (cited by Labcorp Genetics (formerly Invitae), Labcorp).

NM_033100.4(CDHR1):c.1527T>G (p.Tyr509Ter)

Gene: CDHR1 (cadherin related family member 1; plus strand). Cytogenetic location: 10q23.1.
Variant type: single nucleotide variant.
Coding change: c.1527T>G on transcript NM_033100.4 (MANE Select); coding-DNA position 1527, T replaced by G.
Protein change: p.Tyr509Ter; replaces tyrosine 509 with a stop codon.
Molecular consequence: nonsense.
Genome position (GRCh38, 1-based): chr10:84,211,689, T>G. VCF-style: chr10-84211689-T-G. GRCh37 (hg19) VCF-style: chr10-85971445-T-G.
Other names: c.1527T>G, p.Tyr509Ter (NM_001171971.3); short protein forms Y509*.
Identifiers: ClinVar variation 438117 (VCV000438117.8), dbSNP rs1477733493, ClinGen allele CA377377258.
Genomic context (GRCh38, chr10:84,211,689, plus strand): 5'-AGGGCTCTTTCTCTTCCAGGCTGTGGATCCAGATACAGGACCCTGGGGCGAAGTGAAATA[T>G]TCCACCTATGGGACTGGGGCAGACCTGTAAGTAGATCCAGAATCCAGGACAGGGCCTTGG-3'